The following is an entry in ClinVar:

NM_004385.5(VCAN):c.6346T>G (p.Ser2116Ala)

Genes: VCAN (versican; plus strand), VCAN-AS1 (VCAN antisense RNA 1; minus strand). Cytogenetic location: 5q14.3.
Variant type: single nucleotide variant.
Coding change: c.6346T>G on transcript NM_004385.5 (MANE Select); coding-DNA position 6346, T replaced by G.
Protein change: p.Ser2116Ala; replaces serine 2116 with alanine.
Molecular consequence: missense variant. On other transcripts: intron variant (2).
Genome position (GRCh38, 1-based): chr5:83,539,349, T>G. VCF-style: chr5-83539349-T-G. GRCh37 (hg19) VCF-style: chr5-82835168-T-G.
Other names: c.3385T>G, p.Ser1129Ala (NM_001164097.2); c.4004-6188T>G (NM_001164098.2); c.1043-6188T>G (NM_001126336.3); short protein forms S1129A, S2116A.
Identifiers: ClinVar variation 3728512 (VCV003728512.2).

ClinVar aggregate classification (germline): Uncertain significance (1 of 4 stars; one submission).

Submission:

Labcorp Genetics (formerly Invitae), Labcorp
Classification: Uncertain significance. Last evaluated: 2025-01-11. Review status: criteria provided, single submitter. Criteria: Invitae Variant Classification Sherloc (09022015). Collection method: clinical testing. Allele origin: germline.
Comment: This sequence change replaces serine, which is neutral and polar, with alanine, which is neutral and non-polar, at codon 2116 of the VCAN protein (p.Ser2116Ala). This variant is not present in population databases (gnomAD no frequency). This variant has not been reported in the literature in individuals affected with VCAN-related conditions. An algorithm developed to predict the effect of missense changes on protein structure and function outputs the following: PolyPhen-2: "Benign". The alanine amino acid residue is found in multiple mammalian species, which suggests that this missense change does not adversely affect protein function. In summary, the available evidence is currently insufficient to determine the role of this variant in disease. Therefore, it has been classified as a Variant of Uncertain Significance.